The following is an entry in ClinVar:

NM_005902.4(SMAD3):c.1183T>C (p.Trp395Arg)

Gene: SMAD3 (SMAD family member 3; plus strand). Cytogenetic location: 15q22.33.
Variant type: single nucleotide variant.
Coding change: c.1183T>C on transcript NM_005902.4 (MANE Select); coding-DNA position 1183, T replaced by C.
Protein change: p.Trp395Arg; replaces tryptophan 395 with arginine.
Molecular consequence: missense variant.
Genome position (GRCh38, 1-based): chr15:67,190,441, T>C. VCF-style: chr15-67190441-T-C. GRCh37 (hg19) VCF-style: chr15-67482779-T-C.
Other names: c.868T>C, p.Trp290Arg (NM_001145102.2, NM_001407016.1); c.1051T>C, p.Trp351Arg (NM_001145103.2, NM_001407012.1); c.598T>C, p.Trp200Arg (NM_001145104.2, NM_001407017.1); c.1294T>C, p.Trp432Arg (NM_001407011.1); c.1045T>C, p.Trp349Arg (NM_001407013.1); c.1036T>C, p.Trp346Arg (NM_001407014.1); c.736T>C, p.Trp246Arg (NM_001407015.1); short protein forms W200R, W246R, W290R, W346R, W349R, W351R, W395R, W432R.
Identifiers: ClinVar variation 4875456 (VCV004875456.2).

ClinVar aggregate classification (germline): Likely pathogenic (1 of 4 stars; one submission).

Submission:

CeGaT Center for Human Genetics Tuebingen
Classification: Likely pathogenic. Last evaluated: 2026-06-01. Review status: criteria provided, single submitter. Criteria: CeGaT Center For Human Genetics Tuebingen Variant Classification Criteria Version 2. Collection method: clinical testing. Allele origin: germline. Affected: yes. Observed: 1 variant allele.
Comment: SMAD3: PP1:Strong, PM2, PP3